The following is an entry in ClinVar:

NM_206933.4(USH2A):c.4714C>G (p.Leu1572Val)

Gene: USH2A (usherin; minus strand). Cytogenetic location: 1q41.
Variant type: single nucleotide variant.
Coding change: c.4714C>G on transcript NM_206933.4 (MANE Select); coding-DNA position 4714, C replaced by G.
Protein change: p.Leu1572Val; replaces leucine 1572 with valine.
Molecular consequence: missense variant.
Genome position (GRCh38, 1-based): chr1:216,097,127, G>C on the plus strand (C>G on the coding strand, the complement: USH2A is on the minus strand). VCF-style: chr1-216097127-G-C. GRCh37 (hg19) VCF-style: chr1-216270469-G-C.
Other names: short protein forms L1572V.
Identifiers: ClinVar variation 1054756 (VCV001054756.16), dbSNP rs111033333, ClinGen allele CA344861131.

ClinVar aggregate classification (germline): Uncertain significance. Review status: criteria provided, multiple submitters, no conflicts (2 of 4 stars). 3 submissions from 3 submitters: Uncertain significance (2). 1 of the submissions does not count toward it. Last evaluated 2024-12-01.

Conditions:
Usher syndrome type 2A. Also called: USHER SYNDROME, TYPE IIA; RETINAL DISEASE IN USHER SYNDROME TYPE IIA, MODIFIER OF. Identifiers: Orphanet 231178, Orphanet 886, MedGen C1848634, MONDO:0010169, OMIM 276901.

gnomAD v4.1: 3 of 1,614,110 alleles (0.00019%); highest among the groups gnomAD compares: South Asian, 0.0033%; no homozygotes.

Submissions (3):

CeGaT Center for Human Genetics Tuebingen
Classification: Uncertain significance. Last evaluated: 2024-12-01. Review status: criteria provided, single submitter. Criteria: CeGaT Center For Human Genetics Tuebingen Variant Classification Criteria Version 2. Collection method: clinical testing. Allele origin: germline. Affected: yes. Observed: 1 variant allele.
Comment: USH2A: PM2

Labcorp Genetics (formerly Invitae), Labcorp
Classification: Uncertain significance. Last evaluated: 2022-06-13. Review status: criteria provided, single submitter. Criteria: Invitae Variant Classification Sherloc (09022015). Collection method: clinical testing. Allele origin: germline.
Comment: This sequence change replaces leucine, which is neutral and non-polar, with valine, which is neutral and non-polar, at codon 1572 of the USH2A protein (p.Leu1572Val). This variant is not present in population databases (gnomAD no frequency). This variant has not been reported in the literature in individuals affected with USH2A-related conditions. ClinVar contains an entry for this variant (Variation ID: 1054756). Algorithms developed to predict the effect of missense changes on protein structure and function are either unavailable or do not agree on the potential impact of this missense change (SIFT: "Deleterious"; PolyPhen-2: "Benign"; Align-GVGD: "Class C15"). In summary, the available evidence is currently insufficient to determine the role of this variant in disease. Therefore, it has been classified as a Variant of Uncertain Significance.

Natera, Inc.
Classification: Uncertain significance for Usher syndrome type 2A. Last evaluated: 2019-12-17. Review status: no assertion criteria provided. Collection method: clinical testing. Allele origin: germline. Not counted in ClinVar's aggregate classification.